The following is an entry in ClinVar:

NM_001167.4(XIAP):c.*6357G>A

Gene: XIAP (X-linked inhibitor of apoptosis; plus strand). Cytogenetic location: Xq25.
Variant type: single nucleotide variant.
Coding change: c.*6357G>A on transcript NM_001167.4 (MANE Select); 6357 bases downstream of the stop codon, G replaced by A.
Molecular consequence: 3 prime UTR variant. On other transcripts: non-coding transcript variant (2).
Genome position (GRCh38, 1-based): chrX:123,913,538, G>A. VCF-style: chrX-123913538-G-A. GRCh37 (hg19) VCF-style: chrX-123047388-G-A.
Other names: c.*6357G>A (NM_001204401.2, NM_001378590.1, NM_001378591.1 and 1 more transcripts).
Identifiers: ClinVar variation 367862 (VCV000367862.5), dbSNP rs41312771, ClinGen allele CA10508488.

ClinVar aggregate classification (germline): Benign (1 of 4 stars; one submission).

Conditions:
X-linked lymphoproliferative disease due to XIAP deficiency. Also called: XIAP DEFICIENCY; XIAP-Related Lymphoproliferative Disease, X-Linked. Identifiers: Orphanet 2442, Orphanet 538934, MedGen C1845076, MONDO:0010385, OMIM 300635.

Allele frequency attached by ClinVar (database versions not stated): 1000 Genomes Project 0.00344; ExAC 0.00710; gnomAD 0.00988; TOPMed 0.01232.
gnomAD v4.1: 4,090 of 326,364 alleles (1.3%); highest among the groups gnomAD compares: Non-Finnish European, 1.9%; 26 homozygotes.

Submission:

Illumina Laboratory Services, Illumina
Classification: Benign for X-linked lymphoproliferative disease due to XIAP deficiency. Last evaluated: 2018-01-13. Review status: criteria provided, single submitter. Criteria: ICSL Variant Classification Criteria 13 December 2019. Collection method: clinical testing. Allele origin: germline.
Comment: This variant was observed in the ICSL laboratory as part of a predisposition screen in an ostensibly healthy population. It had not been previously curated by ICSL or reported in the Human Gene Mutation Database (HGMD: prior to June 1st, 2018), and was therefore a candidate for classification through an automated scoring system. Utilizing variant allele frequency, disease prevalence and penetrance estimates, and inheritance mode, an automated score was calculated to assess if this variant is too frequent to cause the disease. Based on the score and internal cut-off values, a variant classified as benign is not then subjected to further curation. The score for this variant resulted in a classification of benign for this disease.